The following is an entry in ClinVar:

ClinVar aggregate classification (germline): Uncertain significance (1 of 4 stars; one submission).

Conditions:
Congenital myasthenic syndrome 8. Also called: Myasthenic syndrome, congenital, 8, with pre- and postsynaptic defects; MYASTHENIC SYNDROME, CONGENITAL, DUE TO AGRIN DEFICIENCY. Identifiers: Orphanet 590, MedGen C3808739, MONDO:0014052, OMIM 615120.

Allele frequency attached by ClinVar (database versions not stated): TOPMed 0.00002; ESP Exome Variant Server 0.00008.

Submission:

Labcorp Genetics (formerly Invitae), Labcorp
Classification: Uncertain significance for Congenital myasthenic syndrome 8. Last evaluated: 2018-12-30. Review status: criteria provided, single submitter. Criteria: Invitae Variant Classification Sherloc (09022015). Collection method: clinical testing. Allele origin: germline.
Comment: This variant is not present in population databases (ExAC no frequency). In summary, the available evidence is currently insufficient to determine the role of this variant in disease. Therefore, it has been classified as a Variant of Uncertain Significance. Algorithms developed to predict the effect of missense changes on protein structure and function (SIFT, PolyPhen-2, Align-GVGD) all suggest that this variant is likely to be tolerated, but these predictions have not been confirmed by published functional studies and their clinical significance is uncertain. This variant has not been reported in the literature in individuals with AGRN-related disease. This sequence change replaces arginine with leucine at codon 530 of the AGRN protein (p.Arg530Leu). The arginine residue is moderately conserved and there is a moderate physicochemical difference between arginine and leucine.

NM_198576.4(AGRN):c.1589G>T (p.Arg530Leu)

Gene: AGRN (agrin; plus strand). Cytogenetic location: 1p36.33.
Variant type: single nucleotide variant.
Coding change: c.1589G>T on transcript NM_198576.4 (MANE Select); coding-DNA position 1589, G replaced by T.
Protein change: p.Arg530Leu; replaces arginine 530 with leucine.
Molecular consequence: missense variant.
Genome position (GRCh38, 1-based): chr1:1,043,443, G>T. VCF-style: chr1-1043443-G-T. GRCh37 (hg19) VCF-style: chr1-978823-G-T.
Other names: c.1589G>T, p.Arg530Leu (NM_001305275.2); c.1274G>T, p.Arg425Leu (NM_001364727.2); short protein forms R425L, R530L.
Identifiers: ClinVar variation 651620 (VCV000651620.8), dbSNP rs139590454, ClinGen allele CA16753731.